The following is an entry in ClinVar:

NM_014413.4(EIF2AK1):c.871C>T (p.Arg291Cys)

Gene: EIF2AK1 (eukaryotic translation initiation factor 2 alpha kinase 1; minus strand). Cytogenetic location: 7p22.1.
Variant type: single nucleotide variant.
Coding change: c.871C>T on transcript NM_014413.4 (MANE Select); coding-DNA position 871, C replaced by T.
Protein change: p.Arg291Cys; replaces arginine 291 with cysteine.
Molecular consequence: missense variant.
Genome position (GRCh38, 1-based): chr7:6,041,140, G>A on the plus strand (C>T on the coding strand, the complement: EIF2AK1 is on the minus strand). VCF-style: chr7-6041140-G-A. GRCh37 (hg19) VCF-style: chr7-6080771-G-A.
Other names: c.871C>T (NM_014413.3); c.868C>T, p.Arg290Cys (NM_001134335.2); short protein forms R290C, R291C.
Identifiers: ClinVar variation 2080816 (VCV002080816.5), dbSNP rs143036043, ClinGen allele CA4151017.

ClinVar aggregate classification (germline): Uncertain significance. Review status: criteria provided, multiple submitters, no conflicts (2 of 4 stars). 2 submissions from 2 submitters: Uncertain significance (2). Last evaluated 2025-10-13.

Allele frequency attached by ClinVar (database versions not stated): ESP Exome Variant Server 0.00046; gnomAD exomes 0.00004; ExAC 0.00010; TOPMed 0.00018; gnomAD 0.00022.

Submissions (2):

Labcorp Genetics (formerly Invitae), Labcorp
Classification: Uncertain significance. Last evaluated: 2025-10-13. Review status: criteria provided, single submitter. Criteria: Invitae Variant Classification Sherloc (09022015). Collection method: clinical testing. Allele origin: germline.
Comment: This sequence change replaces arginine, which is basic and polar, with cysteine, which is neutral and slightly polar, at codon 291 of the EIF2AK1 protein (p.Arg291Cys). This variant is present in population databases (rs143036043, gnomAD 0.07%), and has an allele count higher than expected for a pathogenic variant. This variant has not been reported in the literature in individuals affected with EIF2AK1-related conditions. ClinVar contains an entry for this variant (Variation ID: 2080816). An algorithm developed to predict the effect of missense changes on protein structure and function outputs the following: PolyPhen-2: "Benign". The cysteine amino acid residue is found in multiple mammalian species, which suggests that this missense change does not adversely affect protein function. In summary, the available evidence is currently insufficient to determine the role of this variant in disease. Therefore, it has been classified as a Variant of Uncertain Significance.

Ambry Genetics
Classification: Uncertain significance. Last evaluated: 2023-11-09. Review status: criteria provided, single submitter. Criteria: Ambry Variant Classification Scheme 2023. Collection method: clinical testing. Allele origin: germline.